The following is an entry in ClinVar:

NM_001111.5(ADAR):c.*25G>C

Gene: ADAR (adenosine deaminase RNA specific; minus strand). Cytogenetic location: 1q21.3.
Variant type: single nucleotide variant.
Coding change: c.*25G>C on transcript NM_001111.5 (MANE Select); 25 bases downstream of the stop codon, G replaced by C.
Molecular consequence: 3 prime UTR variant.
Genome position (GRCh38, 1-based): chr1:154,584,781, C>G on the plus strand (G>C on the coding strand, the complement: ADAR is on the minus strand). VCF-style: chr1-154584781-C-G. GRCh37 (hg19) VCF-style: chr1-154557257-C-G.
Other names: c.*25G>C (NM_001025107.3, NM_001193495.2, NM_001365045.1 and 6 more transcripts).
Identifiers: ClinVar variation 874418 (VCV000874418.4), dbSNP rs780228174, ClinGen allele CA1130908.

ClinVar aggregate classification (germline): Benign (1 of 4 stars; one submission).

Conditions:
Symmetrical dyschromatosis of extremities (DSH). Also called: DYSCHROMATOSIS SYMMETRICA HEREDITARIA 1; RETICULATE ACROPIGMENTATION OF DOHI; SYMMETRIC DYSCHROMATOSIS OF THE EXTREMITIES; Dyschromatosis symmetrica hereditaria. Identifiers: Orphanet 41, MedGen C0406775, MONDO:0007483, OMIM 127400.

Allele frequency attached by ClinVar (database versions not stated): gnomAD 0.00001 and 0.00003; TOPMed 0.00001; ExAC 0.00002; gnomAD exomes 0.00002 and 0.00006.
gnomAD v4.1: 83 of 1,581,248 alleles (0.0052%); highest among the groups gnomAD compares: East Asian, 0.18%; no homozygotes.

Submission:

Illumina Laboratory Services, Illumina
Classification: Benign for Symmetrical dyschromatosis of extremities. Last evaluated: 2018-01-13. Review status: criteria provided, single submitter. Criteria: ICSL Variant Classification Criteria 13 December 2019. Collection method: clinical testing. Allele origin: germline.
Comment: This variant was observed in the ICSL laboratory as part of a predisposition screen in an ostensibly healthy population. It had not been previously curated by ICSL or reported in the Human Gene Mutation Database (HGMD: prior to June 1st, 2018), and was therefore a candidate for classification through an automated scoring system. Utilizing variant allele frequency, disease prevalence and penetrance estimates, and inheritance mode, an automated score was calculated to assess if this variant is too frequent to cause the disease. Based on the score and internal cut-off values, a variant classified as benign is not then subjected to further curation. The score for this variant resulted in a classification of benign for this disease.